The following is an entry in ClinVar:

NM_000090.4(COL3A1):c.2391+28del

Genes: COL3A1 (collagen type III alpha 1 chain; plus strand), LOC126806446 (P300/CBP strongly-dependent group 1 enhancer GRCh37_chr2:189866210-189867409; plus strand). Cytogenetic location: 2q32.2.
Variant type: Deletion.
Coding change: c.2391+28del on transcript NM_000090.4 (MANE Select); 28 bases into the intron after coding-DNA position 2391, one base deleted (C; older notation c.2391+28delC).
Molecular consequence: intron variant.
Genome position (GRCh38, 1-based): chr2:189,001,617, C deleted. VCF-style (leftmost placement, unchanged base first): chr2-189001616-AC-A. GRCh37 (hg19) VCF-style: chr2-189866342-AC-A.
Other names: c.2391+28delC (NM_000090.3); c.2391+28del (NM_000090.3).
Identifiers: ClinVar variation 254963 (VCV000254963.3), dbSNP rs3215251, ClinGen allele CA075264.

ClinVar aggregate classification (germline): Benign. Review status: criteria provided, multiple submitters, no conflicts (2 of 4 stars). 3 submissions from 3 submitters: Benign (3). Last evaluated 2026-09-21.

Allele frequency attached by ClinVar (database versions not stated): gnomAD exomes 0.03190 and 0.05450; gnomAD 0.12486 and 0.11959; 1000 Genomes Project 30x 0.15881; ExAC 0.06177; TOPMed 0.13246; 1000 Genomes Project 0.15455; ESP Exome Variant Server 0.13403.

Submissions (3):

Molecular Diagnostic Laboratory for Inherited Cardiovascular Disease, Montreal Heart Institute
Classification: Benign. Last evaluated: 2026-09-21. Review status: criteria provided, single submitter. Criteria: ACMG Guidelines, 2015. Collection method: clinical testing. Allele origin: germline. Affected: no.
Comment: BA1

GeneDx
Classification: Benign. Last evaluated: 2018-06-14. Review status: criteria provided, single submitter. Criteria: GeneDx Variant Classification (06012015). Collection method: clinical testing. Allele origin: germline. Affected: yes.
Comment: This variant is considered likely benign or benign based on one or more of the following criteria: it is a conservative change, it occurs at a poorly conserved position in the protein, it is predicted to be benign by multiple in silico algorithms, and/or has population frequency not consistent with disease.

PreventionGenetics, part of Exact Sciences
Classification: Benign. Review status: criteria provided, single submitter. Criteria: ACMG Guidelines, 2015. Collection method: clinical testing. Allele origin: germline.